The following is an entry in ClinVar:

NM_001128227.3(GNE):c.36C>G (p.Cys12Trp)

Gene: GNE (glucosamine (UDP-N-acetyl)-2-epimerase/N-acetylmannosamine kinase; minus strand). Cytogenetic location: 9p13.3.
Variant type: single nucleotide variant.
Coding change: c.36C>G on transcript NM_001128227.3 (MANE Plus Clinical); coding-DNA position 36, C replaced by G.
Protein change: p.Cys12Trp; replaces cysteine 12 with tryptophan.
Molecular consequence: missense variant. On other transcripts: 5 prime UTR variant (1).
Genome position (GRCh38, 1-based): chr9:36,276,909, G>C on the plus strand (C>G on the coding strand, the complement: GNE is on the minus strand). VCF-style: chr9-36276909-G-C. GRCh37 (hg19) VCF-style: chr9-36276906-G-C.
Other names: c.-29C>G (NM_001190388.2); short protein forms C12W.
Identifiers: ClinVar variation 1414794 (VCV001414794.6), dbSNP rs2133208588, ClinGen allele CA373429403.

ClinVar aggregate classification (germline): Uncertain significance (1 of 4 stars; one submission).

Conditions:
GNE myopathy (NM). Also called: INCLUSION BODY MYOPATHY, HEREDITARY, AUTOSOMAL RECESSIVE; INCLUSION BODY MYOPATHY 2, AUTOSOMAL RECESSIVE; MYOPATHY, DISTAL, WITH OR WITHOUT RIMMED VACUOLES; NONAKA DISTAL MYOPATHY; IBM 2; Inclusion body myopathy autosomal recessive. Identifiers: Orphanet 602, MedGen C1853926, MONDO:0011603, OMIM 605820.
Sialuria. Also called: SIALURIA, FRENCH TYPE; Sialic Acid Storage Disease. Identifiers: Orphanet 3166, MedGen C0342853, MONDO:0010028, OMIM 269921.

Submission:

Labcorp Genetics (formerly Invitae), Labcorp
Classification: Uncertain significance for Sialuria; GNE myopathy. Last evaluated: 2021-09-24. Review status: criteria provided, single submitter. Criteria: Invitae Variant Classification Sherloc (09022015). Collection method: clinical testing. Allele origin: germline.
Comment: This sequence change replaces cysteine with tryptophan at codon 12 of the GNE protein (p.Cys12Trp). The cysteine residue is weakly conserved and there is a large physicochemical difference between cysteine and tryptophan. This variant is not present in population databases (ExAC no frequency). This variant has not been reported in the literature in individuals with GNE-related conditions. Advanced modeling of protein sequence and biophysical properties (such as structural, functional, and spatial information, amino acid conservation, physicochemical variation, residue mobility, and thermodynamic stability) performed at Invitae indicates that this missense variant is not expected to disrupt GNE protein function. In summary, the available evidence is currently insufficient to determine the role of this variant in disease. Therefore, it has been classified as a Variant of Uncertain Significance.